The following is an entry in ClinVar:

NM_001370259.2(MEN1):c.269dup (p.Tyr90Ter)

Gene: MEN1 (menin 1; minus strand). Cytogenetic location: 11q13.1.
Variant type: Duplication.
Coding change: c.269dup on transcript NM_001370259.2 (MANE Select); coding-DNA position 269, one base duplicated (A; older notation c.269dupA).
Protein change: p.Tyr90Ter; replaces tyrosine 90 with a stop codon.
Molecular consequence: nonsense.
Genome position (GRCh38, 1-based): chr11:64,809,841, T duplicated on the plus strand (A on the coding strand, the reverse complement: MEN1 is on the minus strand). VCF-style (leftmost placement, unchanged base first): chr11-64809840-A-AT. GRCh37 (hg19) VCF-style: chr11-64577312-A-AT.
Other names: c.269dup, p.Tyr90Ter (NM_000244.4, NM_001370251.2, NM_001370260.2 and 9 more transcripts); short protein forms Y90*.
Identifiers: ClinVar variation 1074463 (VCV001074463.10), dbSNP rs2136187018, ClinGen allele CA2499221167.

ClinVar aggregate classification (germline): Pathogenic (1 of 4 stars; one submission).

Conditions:
Multiple endocrine neoplasia, type 1 (MEN1). Also called: MEN I; WERMER SYNDROME; Endocrine adenomatosis multiple; MEN 1; MEA I. Identifiers: Orphanet 652, MedGen C0025267, MeSH D018761, MONDO:0007540, OMIM 131100.

Submission:

Labcorp Genetics (formerly Invitae), Labcorp
Classification: Pathogenic for Multiple endocrine neoplasia, type 1. Last evaluated: 2020-05-27. Review status: criteria provided, single submitter. Criteria: Invitae Variant Classification Sherloc (09022015). Collection method: clinical testing. Allele origin: germline.
Comment: This sequence change creates a premature translational stop signal (p.Tyr90*) in the MEN1 gene. It is expected to result in an absent or disrupted protein product. This variant is not present in population databases (ExAC no frequency). This variant has been observed in individual(s) with clinical features of multiple endocrine neoplasia type 1 (PMID: 11578300). This variant is also known as c.379-380InsA in the literature. Loss-of-function variants in MEN1 are known to be pathogenic (PMID: 12112656, 17853334). For these reasons, this variant has been classified as Pathogenic.

Literature cited by the submitters: PubMed 11578300; PubMed 12112656; PubMed 17853334.